The following is an entry in ClinVar:

NM_016816.4(OAS1):c.388C>T (p.Arg130Cys)

Gene: OAS1 (2'-5'-oligoadenylate synthetase 1; plus strand). Cytogenetic location: 12q24.13.
Variant type: single nucleotide variant.
Coding change: c.388C>T on transcript NM_016816.4 (MANE Select); coding-DNA position 388, C replaced by T.
Protein change: p.Arg130Cys; replaces arginine 130 with cysteine.
Molecular consequence: missense variant.
Genome position (GRCh38, 1-based): chr12:112,908,743, C>T. VCF-style: chr12-112908743-C-T. GRCh37 (hg19) VCF-style: chr12-113346548-C-T.
Other names: c.388C>T, p.Arg130Cys (NM_001032409.3, NM_001320151.2, NM_002534.4); short protein forms R130C.
Identifiers: ClinVar variation 1388000 (VCV001388000.8), dbSNP rs776426424, ClinGen allele CA6799753.

ClinVar aggregate classification (germline): Uncertain significance (1 of 4 stars; one submission).

Allele frequency attached by ClinVar (database versions not stated): gnomAD 0.00001; ExAC 0.00002.

Submission:

Labcorp Genetics (formerly Invitae), Labcorp
Classification: Uncertain significance. Last evaluated: 2025-07-27. Review status: criteria provided, single submitter. Criteria: Invitae Variant Classification Sherloc (09022015). Collection method: clinical testing. Allele origin: germline.
Comment: This sequence change replaces arginine, which is basic and polar, with cysteine, which is neutral and slightly polar, at codon 130 of the OAS1 protein (p.Arg130Cys). This variant is present in population databases (rs776426424, gnomAD 0.004%). This variant has not been reported in the literature in individuals affected with OAS1-related conditions. ClinVar contains an entry for this variant (Variation ID: 1388000). An algorithm developed to predict the effect of missense changes on protein structure and function (PolyPhen-2) suggests that this variant is likely to be disruptive. In summary, the available evidence is currently insufficient to determine the role of this variant in disease. Therefore, it has been classified as a Variant of Uncertain Significance.